The following is an entry in ClinVar:

NM_001384732.1(CPLANE1):c.8631T>A (p.Pro2877=)

Gene: CPLANE1 (ciliogenesis and planar polarity effector complex subunit 1; minus strand). Cytogenetic location: 5p13.2.
Variant type: single nucleotide variant.
Coding change: c.8631T>A on transcript NM_001384732.1 (MANE Select); coding-DNA position 8631, T replaced by A.
Protein change: p.Pro2877=; no amino-acid change (proline 2877 retained).
Molecular consequence: synonymous variant.
Genome position (GRCh38, 1-based): chr5:37,142,311, A>T on the plus strand (T>A on the coding strand, the complement: CPLANE1 is on the minus strand). VCF-style: chr5-37142311-A-T. GRCh37 (hg19) VCF-style: chr5-37142413-A-T.
Other names: c.8469T>A, p.Pro2823= (NM_023073.4).
Identifiers: ClinVar variation 940186 (VCV000940186.9), dbSNP rs1455554415, ClinGen allele CA443916457.

ClinVar aggregate classification (germline): Uncertain significance (1 of 4 stars; one submission).

Submission:

Labcorp Genetics (formerly Invitae), Labcorp
Classification: Uncertain significance. Last evaluated: 2022-08-16. Review status: criteria provided, single submitter. Criteria: Invitae Variant Classification Sherloc (09022015). Collection method: clinical testing. Allele origin: germline.
Comment: ClinVar contains an entry for this variant (Variation ID: 940186). Algorithms developed to predict the effect of sequence changes on RNA splicing suggest that this variant may create or strengthen a splice site. In summary, the available evidence is currently insufficient to determine the role of this variant in disease. Therefore, it has been classified as a Variant of Uncertain Significance. This variant has not been reported in the literature in individuals affected with CPLANE1-related conditions. This variant is not present in population databases (gnomAD no frequency). This sequence change affects codon 2823 of the CPLANE1 mRNA. It is a 'silent' change, meaning that it does not change the encoded amino acid sequence of the CPLANE1 protein.